The following is an entry in ClinVar:

NM_006009.4(TUBA1A):c.326C>G (p.Thr109Ser)

Gene: TUBA1A (tubulin alpha 1a; minus strand). Cytogenetic location: 12q13.12.
Variant type: single nucleotide variant.
Coding change: c.326C>G on transcript NM_006009.4 (MANE Select); coding-DNA position 326, C replaced by G.
Protein change: p.Thr109Ser; replaces threonine 109 with serine.
Molecular consequence: missense variant.
Genome position (GRCh38, 1-based): chr12:49,186,359, G>C on the plus strand (C>G on the coding strand, the complement: TUBA1A is on the minus strand). VCF-style: chr12-49186359-G-C. GRCh37 (hg19) VCF-style: chr12-49580142-G-C.
Other names: c.326C>G, p.Thr109Ser (NM_001270399.2); c.221C>G, p.Thr74Ser (NM_001270400.2); short protein forms T109S, T74S.
Identifiers: ClinVar variation 1311226 (VCV001311226.2), dbSNP rs2121246504, ClinGen allele CA384643236.

ClinVar aggregate classification (germline): Uncertain significance (1 of 4 stars; one submission).

Submission:

GeneDx
Classification: Uncertain significance. Last evaluated: 2019-12-18. Review status: criteria provided, single submitter. Criteria: GeneDx Variant Classification Process June 2021. Collection method: clinical testing. Allele origin: germline. Affected: yes.
Comment: Not observed in large population cohorts (Lek et al., 2016); The majority of missense variants in this gene are considered pathogenic (Stenson et al., 2014); In silico analysis, which includes protein predictors and evolutionary conservation, supports a deleterious effect; Has not been previously published as pathogenic or benign to our knowledge